The following is an entry in ClinVar:

ClinVar aggregate classification (germline): Uncertain significance. Review status: criteria provided, multiple submitters, no conflicts (2 of 4 stars). 2 submissions from 2 submitters: Uncertain significance (2). Last evaluated 2026-01-28.

Conditions:
Spermatogenic failure 18. Identifiers: MedGen C4539783, MONDO:0054615, OMIM 617576.
Ciliary dyskinesia, primary, 37 (CILD37). Also called: CILIARY DYSKINESIA, PRIMARY, 37, WITH OR WITHOUT SITUS INVERSUS. Identifiers: MedGen C4539798, MONDO:0033204, OMIM 617577.

Allele frequency attached by ClinVar (database versions not stated): TOPMed 0.00001; gnomAD exomes 0.00002 and 0.00001; ESP Exome Variant Server 0.00008; gnomAD 0.00002 and 0.00003; ExAC 0.00004.
gnomAD v4.1: 19 of 1,613,212 alleles (0.0012%); highest among the groups gnomAD compares: East Asian, 0.0067%; no homozygotes.

Submissions (2):

Labcorp Genetics (formerly Invitae), Labcorp
Classification: Uncertain significance for Ciliary dyskinesia, primary, 37; Spermatogenic failure 18. Last evaluated: 2026-01-28. Review status: criteria provided, single submitter. Criteria: Invitae Variant Classification Sherloc (09022015). Collection method: clinical testing. Allele origin: germline.
Comment: This sequence change replaces serine, which is neutral and polar, with leucine, which is neutral and non-polar, at codon 1341 of the DNAH1 protein (p.Ser1341Leu). This variant is present in population databases (rs374727086, gnomAD 0.008%). This variant has not been reported in the literature in individuals affected with DNAH1-related conditions. ClinVar contains an entry for this variant (Variation ID: 580202). Invitae Evidence Modeling of protein sequence and biophysical properties (such as structural, functional, and spatial information, amino acid conservation, physicochemical variation, residue mobility, and thermodynamic stability) indicates that this missense variant is expected to disrupt DNAH1 protein function with a positive predictive value of 80%. In summary, the available evidence is currently insufficient to determine the role of this variant in disease. Therefore, it has been classified as a Variant of Uncertain Significance.

Ambry Genetics
Classification: Uncertain significance. Last evaluated: 2023-12-28. Review status: criteria provided, single submitter. Criteria: Ambry Variant Classification Scheme 2023. Collection method: clinical testing. Allele origin: germline.

NM_015512.5(DNAH1):c.4022C>T (p.Ser1341Leu)

Gene: DNAH1 (dynein axonemal heavy chain 1; plus strand). Cytogenetic location: 3p21.1.
Variant type: single nucleotide variant.
Coding change: c.4022C>T on transcript NM_015512.5 (MANE Select); coding-DNA position 4022, C replaced by T.
Protein change: p.Ser1341Leu; replaces serine 1341 with leucine.
Molecular consequence: missense variant.
Genome position (GRCh38, 1-based): chr3:52,357,939, C>T. VCF-style: chr3-52357939-C-T. GRCh37 (hg19) VCF-style: chr3-52391955-C-T.
Other names: short protein forms S1341L.
Identifiers: ClinVar variation 580202 (VCV000580202.6), dbSNP rs374727086, ClinGen allele CA2433776.